The following is an entry in ClinVar:

NM_001273.5(CHD4):c.2007G>T (p.Gln669His)

Gene: CHD4 (chromodomain helicase DNA binding protein 4; minus strand). Cytogenetic location: 12p13.31.
Variant type: single nucleotide variant.
Coding change: c.2007G>T on transcript NM_001273.5 (MANE Select); coding-DNA position 2007, G replaced by T.
Protein change: p.Gln669His; replaces glutamine 669 with histidine.
Molecular consequence: missense variant.
Genome position (GRCh38, 1-based): chr12:6,596,023, C>A on the plus strand (G>T on the coding strand, the complement: CHD4 is on the minus strand). VCF-style: chr12-6596023-C-A. GRCh37 (hg19) VCF-style: chr12-6705189-C-A.
Other names: c.1986G>T, p.Gln662His (NM_001297553.2); c.1968G>T, p.Gln656His (NM_001363606.2); short protein forms Q656H, Q662H, Q669H.
Identifiers: ClinVar variation 4529870 (VCV004529870.1).

ClinVar aggregate classification (germline): Uncertain significance (1 of 4 stars; one submission).

Submission:

GeneDx
Classification: Uncertain significance. Last evaluated: 2025-05-13. Review status: criteria provided, single submitter. Criteria: GeneDx Variant Classification Process June 2021. Collection method: clinical testing. Allele origin: germline. Affected: yes.
Comment: Not observed at significant frequency in large population cohorts (gnomAD); In silico analysis supports that this missense variant has a deleterious effect on protein structure/function; Has not been previously published as pathogenic or benign to our knowledge